The following is an entry in ClinVar:

ClinVar aggregate classification (germline): Uncertain significance (1 of 4 stars; one submission).

Conditions:
Hereditary cancer-predisposing syndrome. Also called: Hereditary neoplastic syndrome; Hereditary Cancer Syndrome; Neoplastic Syndromes, Hereditary; Tumor predisposition. Identifiers: Orphanet 140162, MedGen C0027672, MeSH D009386, MONDO:0015356.

Submission:

Color Diagnostics, LLC DBA Color Health
Classification: Uncertain significance for Hereditary cancer-predisposing syndrome. Last evaluated: 2024-03-07. Review status: criteria provided, single submitter. Criteria: ACMG Guidelines, 2015. Collection method: clinical testing. Allele origin: germline.
Comment: This missense variant replaces glutamic acid with aspartic acid at codon 518 of the PMS2 protein. Computational prediction suggests that this variant may not impact protein structure and function (internally defined REVEL score threshold <= 0.5, PMID: 27666373). To our knowledge, functional studies have not been reported for this variant. This variant has not been reported in individuals affected with hereditary cancer in the literature. This variant has not been identified in the general population by the Genome Aggregation Database (gnomAD). The available evidence is insufficient to determine the role of this variant in disease conclusively. Therefore, this variant is classified as a Variant of Uncertain Significance.

NM_000535.7(PMS2):c.1554G>T (p.Glu518Asp)

Gene: PMS2 (PMS1 homolog 2, mismatch repair system component; minus strand). Cytogenetic location: 7p22.1.
Variant type: single nucleotide variant.
Coding change: c.1554G>T on transcript NM_000535.7 (MANE Select); coding-DNA position 1554, G replaced by T.
Protein change: p.Glu518Asp; replaces glutamic acid 518 with aspartic acid.
Molecular consequence: missense variant. On other transcripts: non-coding transcript variant (1), intron variant (1).
Genome position (GRCh38, 1-based): chr7:5,987,211, C>A on the plus strand (G>T on the coding strand, the complement: PMS2 is on the minus strand). VCF-style: chr7-5987211-C-A. GRCh37 (hg19) VCF-style: chr7-6026842-C-A.
Other names: c.1398G>T, p.Glu466Asp (NM_001322006.2, NM_001406870.1); c.1236G>T, p.Glu412Asp (NM_001322007.2, NM_001322008.2, NM_001406876.1 and 2 more transcripts); c.1149G>T, p.Glu383Asp (NM_001322009.2, NM_001018040.1, NM_001322003.2 and 17 more transcripts); c.993G>T, p.Glu331Asp (NM_001322010.2, NM_001406906.1, NM_001406907.1); c.621G>T, p.Glu207Asp (NM_001322011.2, NM_001322012.2); c.1740G>T, p.Glu580Asp (NM_001406866.1); c.1578G>T, p.Glu526Asp (NM_001406868.1); c.1446G>T, p.Glu482Asp (NM_001406869.1); and 13 more; short protein forms E360D, E406D, E415D, E482D, E261D, E363D, E462D, E466D.
Identifiers: ClinVar variation 2774129 (VCV002774129.2), dbSNP rs1562630820, ClinGen allele CA366741599.
Genomic context (GRCh38, chr7:5,987,211, plus strand): 5'-TTTCTCCTGAGAGTCCACATGTTCCTGCGAGCCCCTGTCCCCTGGGGAGCTGGCCGCATA[C>A]TCGCTGCTGCAGTGACTGCCCGTGTCTGGGATGCTGAACCCCTCAGAATCCACGGAAGTG-3'
Protein context (NP_000526.2, residues 508-528): IPDTGSHCSS[Glu518Asp]YAASSPGDRG